The following is an entry in ClinVar:

NM_000222.3(KIT):c.1821T>C (p.Thr607=)

Gene: KIT (KIT proto-oncogene, receptor tyrosine kinase; plus strand). Cytogenetic location: 4q12.
Variant type: single nucleotide variant.
Coding change: c.1821T>C on transcript NM_000222.3 (MANE Select); coding-DNA position 1821, T replaced by C.
Protein change: p.Thr607=; no amino-acid change (threonine 607 retained).
Molecular consequence: synonymous variant.
Genome position (GRCh38, 1-based): chr4:54,727,869, T>C. VCF-style: chr4-54727869-T-C. GRCh37 (hg19) VCF-style: chr4-55594035-T-C.
Other names: c.1809T>C, p.Thr603= (NM_001093772.2, NM_001385286.1); c.1824T>C, p.Thr608= (NM_001385284.1, NM_001385290.1); c.1821T>C, p.Thr607= (NM_001385285.1); c.1812T>C, p.Thr604= (NM_001385288.1, NM_001385292.1).
Identifiers: ClinVar variation 700026 (VCV000700026.15), dbSNP rs1420595508, ClinGen allele CA439291347.

ClinVar aggregate classification (germline): Benign/Likely benign. Review status: criteria provided, multiple submitters, no conflicts (2 of 4 stars). 4 submissions from 4 submitters: Benign (1); Likely benign (3). Last evaluated 2026-06-04.

Conditions:
KIT-related disorder. Also called: KIT-related condition.
Hereditary cancer-predisposing syndrome. Also called: Neoplastic Syndromes, Hereditary; Tumor predisposition; Hereditary Cancer Syndrome; Hereditary neoplastic syndrome. Identifiers: Orphanet 140162, MedGen C0027672, MeSH D009386, MONDO:0015356.
Gastrointestinal stromal tumor. Also called: Gastrointestinal stroma tumor; Gastrointestinal stromal tumor, somatic. Identifiers: Orphanet 44890, MedGen C0238198, MeSH D046152, MONDO:0011719, OMIM 606764, HP:0100723.

Allele frequency attached by ClinVar (database versions not stated): TOPMed below 0.00001; gnomAD 0.00001; gnomAD exomes 0.00001.
gnomAD v4.1: 8 of 1,613,744 alleles (0.0005%); highest among the groups gnomAD compares: Admixed American, 0.01%; no homozygotes.

Submissions (4):

Myriad Genetics, Inc.
Classification: Benign for Gastrointestinal stromal tumor. Last evaluated: 2026-06-04. Review status: criteria provided, single submitter. Criteria: Myriad Autosomal Dominant, Autosomal Recessive and X-Linked Classification Criteria (2023). Collection method: clinical testing. Allele origin: unknown.
Comment: This variant is considered benign. This variant is a silent/synonymous amino acid change and it is not expected to impact splicing.

Labcorp Genetics (formerly Invitae), Labcorp
Classification: Likely benign for Gastrointestinal stromal tumor. Last evaluated: 2026-01-15. Review status: criteria provided, single submitter. Criteria: Invitae Variant Classification Sherloc (09022015). Collection method: clinical testing. Allele origin: germline.

PreventionGenetics, part of Exact Sciences
Classification: Likely benign for KIT-related condition. Last evaluated: 2025-06-02. Review status: criteria provided, single submitter. Criteria: ACMG Guidelines, 2015. Collection method: clinical testing. Allele origin: germline.
Comment: This variant is classified as likely benign based on ACMG/AMP sequence variant interpretation guidelines (Richards et al. 2015 PMID: 25741868, with internal and published modifications).

Ambry Genetics
Classification: Likely benign for Hereditary cancer-predisposing syndrome. Last evaluated: 2022-03-01. Review status: criteria provided, single submitter. Criteria: Ambry Variant Classification Scheme 2023. Collection method: clinical testing. Allele origin: germline.